The following is an entry in ClinVar:

ClinVar aggregate classification (germline): Pathogenic (1 of 4 stars; one submission).

Submission:

CeGaT Center for Human Genetics Tuebingen
Classification: Pathogenic. Last evaluated: 2025-07-01. Review status: criteria provided, single submitter. Criteria: CeGaT Center For Human Genetics Tuebingen Variant Classification Criteria Version 2. Collection method: clinical testing. Allele origin: germline. Affected: yes. Observed: 1 variant allele.
Comment: TCF12: PVS1, PM2

NM_207037.2(TCF12):c.1224_1225delinsTT (p.Leu408_Gln409delinsPheTer)

Gene: TCF12 (transcription factor 12; plus strand). Cytogenetic location: 15q21.3.
Variant type: Indel.
Coding change: c.1224_1225delinsTT on transcript NM_207037.2 (MANE Select); coding-DNA positions 1224 to 1225, GC replaced by TT.
Protein change: p.Leu408_Gln409delinsPheTer.
Molecular consequence: nonsense. On other transcripts: intron variant (8).
Genome position (GRCh38, 1-based): chr15:57,252,456-57,252,457, GC replaced by TT. VCF-style: chr15-57252456-GC-TT. GRCh37 (hg19) VCF-style: chr15-57544654-GC-TT.
Other names: c.714_715delinsTT, p.Leu238_Gln239delinsPheTer (NM_001306219.3); c.1224_1225delinsTT, p.Leu408_Gln409delinsPheTer (NM_001322151.2, NM_001322152.2, NM_001322159.3 and 3 more transcripts); c.567_568delinsTT, p.Leu189_Gln190delinsPheTer (NM_001322154.2); c.1050_1051delinsTT, p.Leu350_Gln351delinsPheTer (NM_001322156.2); c.1189-806_1189-805delinsTT (NM_001322157.3, NM_003205.4, NM_207038.2 and 1 more transcripts); c.1015-806_1015-805delinsTT (NM_001322158.2); c.1225-806_1225-805delinsTT (NM_001322164.2); c.679-806_679-805delinsTT (NM_207040.2); and 1 more.
Identifiers: ClinVar variation 4085993 (VCV004085993.8).